The following is an entry in ClinVar:

ClinVar aggregate classification (germline): Uncertain significance (1 of 4 stars; one submission).

Conditions:
Mitochondrial disease. Also called: Mitochondrial disorders; Mitochondrial disorder. Identifiers: Orphanet 68380, MedGen C0751651, MeSH D028361, MONDO:0044970.

Submission:

Genomenon, Inc
Classification: Uncertain significance for Mitochondrial disease. Last evaluated: 2025-11-24. Review status: criteria provided, single submitter. Criteria: Genomenon Sequence Variant Interpretation Standards - Updated. Collection method: curation. Allele origin: germline. Affected: yes.
Comment: TK2 c.156+5G>C is an intronic variant located in the donor splice region of intron 2. It is predicted to affect mRNA splicing, leading to a deleterious effect on the TK2 protein. This variant has been observed in a proband affected with mitochondrial disease in the compound heterozygous state (24953930). This variant is not present at a significant frequency in gnomAD. In conclusion, we classify TK2 c.156+5G>C as a variant of uncertain significance.

Literature cited by the submitters: PubMed 24953930.

NM_004614.5(TK2):c.156+5G>C

Gene: TK2 (thymidine kinase 2; minus strand). Cytogenetic location: 16q21.
Variant type: single nucleotide variant.
Coding change: c.156+5G>C on transcript NM_004614.5 (MANE Select); 5 bases into the intron after coding-DNA position 156, G replaced by C.
Molecular consequence: intron variant.
Genome position (GRCh38, 1-based): chr16:66,548,973, C>G on the plus strand (G>C on the coding strand, the complement: TK2 is on the minus strand). VCF-style: chr16-66548973-C-G. GRCh37 (hg19) VCF-style: chr16-66582876-C-G.
Other names: c.63+5G>C (NM_001271935.1, NM_001172643.1); c.156+5G>C (NM_001172644.2, NM_001172645.2); c.-87+5G>C (NM_001271934.2); c.-136+5G>C (NM_001272050.2).
Identifiers: ClinVar variation 3778872 (VCV003778872.2).
Genomic context (GRCh38, chr16:66,548,973, plus strand): 5'-TTTTTTCTCTCTCCTCTTCAAAAAACCAAATTATCCTAGAGAGTACACATAAAAGAGGGA[C>G]TTACCACTGATTTTTTCTCTTTTTCCTGTTCTTTATCTACAAAAGAAAGGAAATCAGTTT-3'